The following is an entry in ClinVar:

ClinVar aggregate classification (germline): Uncertain significance (1 of 4 stars; one submission).

Conditions:
Epileptic encephalopathy. Identifiers: MedGen C0543888, HP:0200134.

gnomAD v4.1: 5 of 1,610,938 alleles (0.00031%); highest among the groups gnomAD compares: Non-Finnish European, 0.00042%; no homozygotes.

Submissions (2):

Labcorp Genetics (formerly Invitae), Labcorp
Classification: Uncertain significance for Epileptic encephalopathy. Last evaluated: 2025-12-23. Review status: criteria provided, single submitter. Criteria: Invitae Variant Classification Sherloc (09022015). Collection method: clinical testing. Allele origin: germline.
Comment: This sequence change affects codon 1749 of the FASN mRNA. It is a 'silent' change, meaning that it does not change the encoded amino acid sequence of the FASN protein. This variant is present in population databases (rs776715958, gnomAD 0.002%). This variant has not been reported in the literature in individuals affected with FASN-related conditions. Algorithms developed to predict the effect of sequence changes on RNA splicing suggest that this variant may create or strengthen a splice site. In summary, the available evidence is currently insufficient to determine the role of this variant in disease. Therefore, it has been classified as a Variant of Uncertain Significance.

Dr. Peter K. Rogan Lab, Western University
No classification provided (evidence only). Condition: Gastric cancer. Review status: no classification provided. Collection method: in vitro. Allele origin: not applicable. Functional consequence: retained intron. Not counted in ClinVar's aggregate classification.

NM_004104.5(FASN):c.5247G>A (p.Ala1749=)

Gene: FASN (fatty acid synthase; minus strand). Cytogenetic location: 17q25.3.
Variant type: single nucleotide variant.
Coding change: c.5247G>A on transcript NM_004104.5 (MANE Select); coding-DNA position 5247, G replaced by A.
Protein change: p.Ala1749=; no amino-acid change (alanine 1749 retained).
Molecular consequence: synonymous variant.
Genome position (GRCh38, 1-based): chr17:82,083,611, C>T on the plus strand (G>A on the coding strand, the complement: FASN is on the minus strand). VCF-style: chr17-82083611-C-T. GRCh37 (hg19) VCF-style: chr17-80041487-C-T.
Other names: NC_000017.10:g.80041487C>T.
Identifiers: ClinVar variation 4429388 (VCV004429388.2).